The following is an entry in ClinVar:

NM_001886.3(CRYBA4):c.40-1G>C

Gene: CRYBA4 (crystallin beta A4; plus strand). Cytogenetic location: 22q12.1.
Variant type: single nucleotide variant.
Coding change: c.40-1G>C on transcript NM_001886.3 (MANE Select); the canonical splice acceptor site of the intron before coding-DNA position 40, G replaced by C.
Molecular consequence: splice acceptor variant.
Genome position (GRCh38, 1-based): chr22:26,623,233, G>C. VCF-style: chr22-26623233-G-C. GRCh37 (hg19) VCF-style: chr22-27019197-G-C.
Identifiers: ClinVar variation 217347 (VCV000217347.49), dbSNP rs142090709, ClinGen allele CA249999.

ClinVar aggregate classification (germline): Benign/Likely benign. Review status: criteria provided, multiple submitters, no conflicts (2 of 4 stars). 5 submissions from 5 submitters: Benign (3); Likely benign (1). 1 of the submissions does not count toward it. Last evaluated 2026-02-01.

Conditions:
Cataract 23 (CTRCT23). Also called: CATARACT 23, LAMELLAR; Cataract 23, multiple types. Identifiers: Orphanet 91492, MedGen C3808012, MONDO:0012489, OMIM 610425.
Developmental cataract. Also called: Congenital cataract; Congenital cataracts; Bilateral cataracts. Identifiers: MedGen C0009691, HP:0000519.

Allele frequency attached by ClinVar (database versions not stated): 1000 Genomes Project 0.00180; 1000 Genomes Project 30x 0.00219; ExAC 0.00323; gnomAD exomes 0.00334 and 0.00556; TOPMed 0.00356; gnomAD 0.00358 and 0.00362; ESP Exome Variant Server 0.00400.
gnomAD v4.1: 8,570 of 1,612,052 alleles (0.53%); highest among the groups gnomAD compares: Non-Finnish European, 0.66%; 35 homozygotes.

Submissions (5):

CeGaT Center for Human Genetics Tuebingen
Classification: Likely benign. Last evaluated: 2026-02-01. Review status: criteria provided, single submitter. Criteria: CeGaT Center For Human Genetics Tuebingen Variant Classification Criteria Version 2. Collection method: clinical testing. Allele origin: germline. Affected: yes. Observed: 3 variant alleles.
Comment: CRYBA4: BS2

Labcorp Genetics (formerly Invitae), Labcorp
Classification: Benign for Cataract 23. Last evaluated: 2026-01-18. Review status: criteria provided, single submitter. Criteria: Invitae Variant Classification Sherloc (09022015). Collection method: clinical testing. Allele origin: germline.

Department of Pathology and Laboratory Medicine, Sinai Health System
Classification: Benign for Cataract 23. Last evaluated: 2022-01-24. Review status: criteria provided, single submitter. Criteria: ACMG Guidelines, 2015. Collection method: research. Allele origin: germline.

GeneDx
Classification: Benign. Last evaluated: 2019-05-27. Review status: criteria provided, single submitter. Criteria: GeneDx Variant Classification Process June 2021. Collection method: clinical testing. Allele origin: germline. Affected: yes.
Comment: This variant is associated with the following publications: (PMID: 26694549)

Eye Genetics Research Group, Children's Medical Research Institute
Classification: Benign for Developmental cataract. Last evaluated: 2015-01-09. Review status: no assertion criteria provided. Collection method: research. Allele origin: unknown. Affected: yes. Not counted in ClinVar's aggregate classification.

Literature cited by the submitters: PubMed 26694549 (cited by Eye Genetics Research Group, Children's Medical Research Institute).